The following is an entry in ClinVar:

NM_001005242.3(PKP2):c.149C>T (p.Thr50Ile)

Gene: PKP2 (plakophilin 2; minus strand). Cytogenetic location: 12p11.21.
Variant type: single nucleotide variant.
Coding change: c.149C>T on transcript NM_001005242.3 (MANE Select); coding-DNA position 149, C replaced by T.
Protein change: p.Thr50Ile; replaces threonine 50 with isoleucine.
Molecular consequence: missense variant.
Genome position (GRCh38, 1-based): chr12:32,896,583, G>A on the plus strand (C>T on the coding strand, the complement: PKP2 is on the minus strand). VCF-style: chr12-32896583-G-A. GRCh37 (hg19) VCF-style: chr12-33049517-G-A.
Other names: c.149C>T, p.Thr50Ile (NM_004572.4); c.149C>T (NM_004572.3); short protein forms T50I.
Identifiers: ClinVar variation 1365883 (VCV001365883.7), dbSNP rs1402887591, ClinGen allele CA384371078.

ClinVar aggregate classification (germline): Uncertain significance. Review status: criteria provided, multiple submitters, no conflicts (2 of 4 stars). 2 submissions from 2 submitters: Uncertain significance (2). Last evaluated 2023-12-11.

Conditions:
Cardiovascular phenotype. Identifiers: MedGen CN230736.
Arrhythmogenic right ventricular dysplasia 9 (ARVD9). Also called: Arrhythmogenic Right Ventricular Dysplasia/Cardiomyopathy 9; ARRHYTHMOGENIC RIGHT VENTRICULAR DYSPLASIA, FAMILIAL, 9. Identifiers: MedGen C1836906, MONDO:0012180, OMIM 609040.

Allele frequency attached by ClinVar (database versions not stated): gnomAD exomes 0.00001.

Submissions (2):

Ambry Genetics
Classification: Uncertain significance for Cardiovascular phenotype. Last evaluated: 2023-12-11. Review status: criteria provided, single submitter. Criteria: Ambry Variant Classification Scheme 2023. Collection method: clinical testing. Allele origin: germline.
Comment: The p.T50I variant (also known as c.149C>T), located in coding exon 1 of the PKP2 gene, results from a C to T substitution at nucleotide position 149. The threonine at codon 50 is replaced by isoleucine, an amino acid with similar properties. This amino acid position is conserved. In addition, this alteration is predicted to be tolerated by in silico analysis. Since supporting evidence is limited at this time, the clinical significance of this alteration remains unclear.

Labcorp Genetics (formerly Invitae), Labcorp
Classification: Uncertain significance for Arrhythmogenic right ventricular dysplasia 9. Last evaluated: 2023-11-03. Review status: criteria provided, single submitter. Criteria: Invitae Variant Classification Sherloc (09022015). Collection method: clinical testing. Allele origin: germline.
Comment: This sequence change replaces threonine, which is neutral and polar, with isoleucine, which is neutral and non-polar, at codon 50 of the PKP2 protein (p.Thr50Ile). The frequency data for this variant in the population databases is considered unreliable, as metrics indicate poor data quality at this position in the gnomAD database. This variant has not been reported in the literature in individuals affected with PKP2-related conditions. ClinVar contains an entry for this variant (Variation ID: 1365883). An algorithm developed to predict the effect of missense changes on protein structure and function (PolyPhen-2) suggests that this variant is likely to be tolerated. In summary, the available evidence is currently insufficient to determine the role of this variant in disease. Therefore, it has been classified as a Variant of Uncertain Significance.